The following is an entry in ClinVar:

ClinVar aggregate classification (germline): Uncertain significance (1 of 4 stars; one submission).

Conditions:
Peroxisome biogenesis disorder. Identifiers: Orphanet 79189, MedGen C1832200, MONDO:0019234. Disease mechanism: loss of function.

Submission:

Labcorp Genetics (formerly Invitae), Labcorp
Classification: Uncertain significance for Peroxisome biogenesis disorder. Last evaluated: 2022-03-09. Review status: criteria provided, single submitter. Criteria: Invitae Variant Classification Sherloc (09022015). Collection method: clinical testing. Allele origin: germline.
Comment: In summary, the available evidence is currently insufficient to determine the role of this variant in disease. Therefore, it has been classified as a Variant of Uncertain Significance. Algorithms developed to predict the effect of missense changes on protein structure and function (SIFT, PolyPhen-2, Align-GVGD) all suggest that this variant is likely to be tolerated. This variant has not been reported in the literature in individuals affected with PEX6-related conditions. This variant is not present in population databases (gnomAD no frequency). This sequence change replaces arginine, which is basic and polar, with proline, which is neutral and non-polar, at codon 82 of the PEX6 protein (p.Arg82Pro).

NM_000287.4(PEX6):c.245G>C (p.Arg82Pro)

Gene: PEX6 (peroxisomal biogenesis factor 6; minus strand). Cytogenetic location: 6p21.1.
Variant type: single nucleotide variant.
Coding change: c.245G>C on transcript NM_000287.4 (MANE Select); coding-DNA position 245, G replaced by C.
Protein change: p.Arg82Pro; replaces arginine 82 with proline.
Molecular consequence: missense variant. On other transcripts: non-coding transcript variant (1).
Genome position (GRCh38, 1-based): chr6:42,978,906, C>G on the plus strand (G>C on the coding strand, the complement: PEX6 is on the minus strand). VCF-style: chr6-42978906-C-G. GRCh37 (hg19) VCF-style: chr6-42946644-C-G.
Other names: c.245G>C, p.Arg82Pro (NM_001316313.2); short protein forms R82P.
Identifiers: ClinVar variation 1352503 (VCV001352503.6), dbSNP rs2150240495, ClinGen allele CA364167707.
Genomic context (GRCh38, chr6:42,978,906, plus strand): 5'-GCCGGGGGCCGCCGCACCGCCCGCGCCCGCACCCAGGCCCCGGAGCCCAGTGCCAGGAGC[C>G]GCAGCAGCGCGCGGCTAACCAGTAGCTGCGGCGGCCCGGGACCCTGCTCTTCGGTGCCCG-3'
Protein context (NP_000278.3, residues 72-92): PQLLVSRALL[Arg82Pro]LLALGSGAWV